The following is an entry in ClinVar:

ClinVar aggregate classification (germline): Uncertain significance (1 of 4 stars; one submission).

gnomAD v4.1: 6 of 1,551,074 alleles (0.00039%); highest among the groups gnomAD compares: East Asian, 0.0024%; no homozygotes.

Submission:

GeneDx
Classification: Uncertain significance. Last evaluated: 2022-12-14. Review status: criteria provided, single submitter. Criteria: GeneDx Variant Classification Process June 2021. Collection method: clinical testing. Allele origin: germline. Affected: yes.
Comment: Not observed at significant frequency in large population cohorts (gnomAD); In silico analysis supports that this missense variant does not alter protein structure/function; Has not been previously published as pathogenic or benign to our knowledge

NM_020719.3(PRR12):c.2768C>T (p.Ala923Val)

Gene: PRR12 (proline rich 12; plus strand). Cytogenetic location: 19q13.33.
Variant type: single nucleotide variant.
Coding change: c.2768C>T on transcript NM_020719.3 (MANE Select); coding-DNA position 2768, C replaced by T.
Protein change: p.Ala923Val; replaces alanine 923 with valine.
Molecular consequence: missense variant.
Genome position (GRCh38, 1-based): chr19:49,597,103, C>T. VCF-style: chr19-49597103-C-T. GRCh37 (hg19) VCF-style: chr19-50100360-C-T.
Other names: short protein forms A923V.
Identifiers: ClinVar variation 2505700 (VCV002505700.1), dbSNP rs1219322832, ClinGen allele CA406876738.
Genomic context (GRCh38, chr19:49,597,103, plus strand): 5'-ACTCGGAGGGCAAGGATCCCGCAGGCGCCTACCGCAGCCCCAGCCCGCAAGGCACCAAGG[C>T]GCCGCGTTTCGTGCCGCTCACCTCCATCTGCTTCCCTGACTCCTTGCTCCAAGACGAGGA-3'
Protein context (NP_065770.1, residues 913-933): YRSPSPQGTK[Ala923Val]PRFVPLTSIC